The following is an entry in ClinVar:

NM_001040142.2(SCN2A):c.1034+3A>G

Gene: SCN2A (sodium voltage-gated channel alpha subunit 2; plus strand). Cytogenetic location: 2q24.3.
Variant type: single nucleotide variant.
Coding change: c.1034+3A>G on transcript NM_001040142.2 (MANE Select); 3 bases into the intron after coding-DNA position 1034, A replaced by G.
Molecular consequence: intron variant.
Genome position (GRCh38, 1-based): chr2:165,312,091, A>G. VCF-style: chr2-165312091-A-G. GRCh37 (hg19) VCF-style: chr2-166168601-A-G.
Other names: c.1034+3A>G (NM_001040143.2, NM_001371246.1, NM_001371247.1 and 1 more transcripts).
Identifiers: ClinVar variation 1987101 (VCV001987101.4), dbSNP rs1321604873, ClinGen allele CA537115836.

ClinVar aggregate classification (germline): Uncertain significance (1 of 4 stars; one submission).

Conditions:
Developmental and epileptic encephalopathy, 11 (DEE11). Also called: Early infantile epileptic encephalopathy 11. Identifiers: Orphanet 1934, MedGen C3150987, MONDO:0013388, OMIM 613721.
Seizures, benign familial infantile, 3 (BFIS3). Also called: CONVULSIONS, BENIGN FAMILIAL INFANTILE, 3; Familial neonatal seizures. Identifiers: Orphanet 140927, Orphanet 306, MedGen C1843140, MONDO:0011904, OMIM 607745.

Allele frequency attached by ClinVar (database versions not stated): gnomAD exomes below 0.00001; TOPMed below 0.00001.
gnomAD v4.1: 2 of 1,610,902 alleles (0.00012%); highest among the groups gnomAD compares: African/African-American, 0.0013%; no homozygotes.

Submission:

Labcorp Genetics (formerly Invitae), Labcorp
Classification: Uncertain significance for Seizures, benign familial infantile, 3; Developmental and epileptic encephalopathy, 11. Last evaluated: 2025-01-06. Review status: criteria provided, single submitter. Criteria: Invitae Variant Classification Sherloc (09022015). Collection method: clinical testing. Allele origin: germline.
Comment: This sequence change falls in intron 8 of the SCN2A gene. It does not directly change the encoded amino acid sequence of the SCN2A protein. It affects a nucleotide within the consensus splice site. This variant is present in population databases (no rsID available, gnomAD 0.007%). This variant has not been reported in the literature in individuals affected with SCN2A-related conditions. ClinVar contains an entry for this variant (Variation ID: 1987101). Variants that disrupt the consensus splice site are a relatively common cause of aberrant splicing (PMID: 17576681, 9536098). Algorithms developed to predict the effect of sequence changes on RNA splicing suggest that this variant is not likely to affect RNA splicing. In summary, the available evidence is currently insufficient to determine the role of this variant in disease. Therefore, it has been classified as a Variant of Uncertain Significance.

Literature cited by the submitters: PubMed 17576681; PubMed 9536098.